The following is an entry in ClinVar:

NM_000528.4(MAN2B1):c.247C>T (p.Gln83Ter)

Gene: MAN2B1 (mannosidase alpha class 2B member 1; minus strand). Cytogenetic location: 19p13.13.
Variant type: single nucleotide variant.
Coding change: c.247C>T on transcript NM_000528.4 (MANE Select); coding-DNA position 247, C replaced by T.
Protein change: p.Gln83Ter; replaces glutamine 83 with a stop codon.
Molecular consequence: nonsense.
Genome position (GRCh38, 1-based): chr19:12,665,718, G>A on the plus strand (C>T on the coding strand, the complement: MAN2B1 is on the minus strand). VCF-style: chr19-12665718-G-A. GRCh37 (hg19) VCF-style: chr19-12776532-G-A.
Other names: c.247C>T, p.Gln83Ter (NM_001173498.2); short protein forms Q83*.
Identifiers: ClinVar variation 940305 (VCV000940305.11), dbSNP rs2024217737, ClinGen allele CA404257930.

ClinVar aggregate classification (germline): Pathogenic. Review status: criteria provided, multiple submitters, no conflicts (2 of 4 stars). 2 submissions from 2 submitters: Pathogenic (2). Last evaluated 2021-09-05.

Conditions:
Deficiency of alpha-mannosidase (MANSA). Also called: Alpha-Mannosidosis; Mannosidosis, alpha-, types I and II; LYSOSOMAL ALPHA-D-MANNOSIDASE DEFICIENCY. Identifiers: Orphanet 61, MedGen C0024748, MONDO:0009561, OMIM 248500.

Submissions (2):

Genome-Nilou Lab
Classification: Pathogenic for Deficiency of alpha-mannosidase. Last evaluated: 2021-09-05. Review status: criteria provided, single submitter. Criteria: ACMG Guidelines, 2015. Collection method: clinical testing. Allele origin: germline. Affected: no.

Labcorp Genetics (formerly Invitae), Labcorp
Classification: Pathogenic for Deficiency of alpha-mannosidase. Last evaluated: 2019-05-30. Review status: criteria provided, single submitter. Criteria: Invitae Variant Classification Sherloc (09022015). Collection method: clinical testing. Allele origin: germline.
Comment: This variant has not been reported in the literature in individuals with MAN2B1-related conditions. This sequence change creates a premature translational stop signal (p.Gln83*) in the MAN2B1 gene. It is expected to result in an absent or disrupted protein product. This variant is not present in population databases (ExAC no frequency). Loss-of-function variants in MAN2B1 are known to be pathogenic (PMID: 9915946, 22161967). For these reasons, this variant has been classified as Pathogenic.

Literature cited by the submitters: PubMed 9915946 (cited by Labcorp Genetics (formerly Invitae), Labcorp); PubMed 22161967 (cited by Labcorp Genetics (formerly Invitae), Labcorp).